The following is an entry in ClinVar:

ClinVar aggregate classification (germline): Uncertain significance. Review status: criteria provided, multiple submitters, no conflicts (2 of 4 stars). 2 submissions from 2 submitters: Uncertain significance (2). Last evaluated 2025-09-05.

Conditions:
Inborn genetic diseases. Identifiers: MedGen C0950123, MeSH D030342.

gnomAD v4.1: 3 of 1,614,142 alleles (0.00019%); highest among the groups gnomAD compares: Non-Finnish European, 0.00017%; no homozygotes.

Submissions (2):

Ambry Genetics
Classification: Uncertain significance for Inborn genetic diseases. Last evaluated: 2025-09-05. Review status: criteria provided, single submitter. Criteria: Ambry Variant Classification Scheme 2023. Collection method: clinical testing. Allele origin: germline.

GeneDx
Classification: Uncertain significance. Last evaluated: 2022-10-12. Review status: criteria provided, single submitter. Criteria: GeneDx Variant Classification Process June 2021. Collection method: clinical testing. Allele origin: germline. Affected: yes.
Comment: Not observed at significant frequency in large population cohorts (gnomAD); In silico analysis supports that this missense variant has a deleterious effect on protein structure/function; Has not been previously published as pathogenic or benign to our knowledge

NM_001366145.2(TRPM3):c.560A>G (p.His187Arg)

Gene: TRPM3 (transient receptor potential cation channel subfamily M member 3; minus strand). Cytogenetic location: 9q21.12.
Variant type: single nucleotide variant.
Coding change: c.560A>G on transcript NM_001366145.2 (MANE Select); coding-DNA position 560, A replaced by G.
Protein change: p.His187Arg; replaces histidine 187 with arginine.
Molecular consequence: missense variant.
Genome position (GRCh38, 1-based): chr9:70,846,494, T>C on the plus strand (A>G on the coding strand, the complement: TRPM3 is on the minus strand). VCF-style: chr9-70846494-T-C. GRCh37 (hg19) VCF-style: chr9-73461410-T-C.
Other names: c.560A>G (NM_001007471.2); c.101A>G, p.His34Arg (NM_001007470.3, NM_001366154.2, NM_020952.6 and 6 more transcripts); c.560A>G, p.His187Arg (NM_001007471.4, NM_001366146.2, NM_001366147.2 and 6 more transcripts); c.566A>G, p.His189Arg (NM_001366141.2, NM_001366142.2, NM_001366143.2 and 1 more transcripts); short protein forms H187R, H189R, H34R.
Identifiers: ClinVar variation 2499175 (VCV002499175.2), dbSNP rs908977217, ClinGen allele CA193470190.